The following is an entry in ClinVar:

NM_017570.5(OPLAH):c.685G>A (p.Val229Ile)

Gene: OPLAH (5-oxoprolinase, ATP-hydrolysing; minus strand). Cytogenetic location: 8q24.3.
Variant type: single nucleotide variant.
Coding change: c.685G>A on transcript NM_017570.5 (MANE Select); coding-DNA position 685, G replaced by A.
Protein change: p.Val229Ile; replaces valine 229 with isoleucine.
Molecular consequence: missense variant.
Genome position (GRCh38, 1-based): chr8:144,058,594, C>T on the plus strand (G>A on the coding strand, the complement: OPLAH is on the minus strand). VCF-style: chr8-144058594-C-T. GRCh37 (hg19) VCF-style: chr8-145113497-C-T.
Other names: short protein forms V229I.
Identifiers: ClinVar variation 3366617 (VCV003366617.1).

ClinVar aggregate classification (germline): Uncertain significance (1 of 4 stars; one submission).

Submission:

Women's Health and Genetics/Laboratory Corporation of America, LabCorp
Classification: Uncertain significance. Last evaluated: 2024-08-23. Review status: criteria provided, single submitter. Criteria: LabCorp Variant Classification Summary - May 2015. Collection method: clinical testing. Allele origin: germline.
Comment: Variant summary: OPLAH c.685G>A (p.Val229Ile) results in a conservative amino acid change in the encoded protein sequence. Three of four in-silico tools predict a benign effect of the variant on protein function. The variant allele was found at a frequency of 0.00018 in 238750 control chromosomes. This frequency is not significantly higher than estimated for a pathogenic variant in OPLAH causing 5-Oxoprolinase Deficiency, allowing no conclusion about variant significance. To our knowledge, no occurrence of c.685G>A in individuals affected with 5-Oxoprolinase Deficiency and no experimental evidence demonstrating its impact on protein function have been reported. No submitters have cited clinical-significance assessments for this variant to ClinVar. Based on the evidence outlined above, the variant was classified as uncertain significance.